The following is an entry in ClinVar:

NM_198525.3(KIF7):c.3754_3771dup (p.Ser1252_Gly1257dup)

Gene: KIF7 (kinesin family member 7; minus strand). Cytogenetic location: 15q26.1.
Variant type: Duplication.
Coding change: c.3754_3771dup on transcript NM_198525.3 (MANE Select); coding-DNA positions 3754 to 3771, 18 bases duplicated (TCCCCCCTCACTGAGGGG).
Protein change: p.Ser1252_Gly1257dup.
Molecular consequence: inframe insertion.
Genome position (GRCh38, 1-based): chr15:89,628,680-89,628,697, CCCCTCAGTGAGGGGGGA duplicated on the plus strand (TCCCCCCTCACTGAGGGG on the coding strand, the reverse complement: KIF7 is on the minus strand); duplicating any 18 consecutive bases within chr15:89,628,680-89,628,698 gives the same sequence; the c. name uses the placement nearest the transcript's 3' end. VCF-style (leftmost placement, unchanged base first): chr15-89628679-C-CCCCCTCAGTGAGGGGGGA. GRCh37 (hg19) VCF-style: chr15-90171910-C-CCCCCTCAGTGAGGGGGGA.
Other names: c.3754_3771dup18 (NM_198525.3); c.3754_3771dup (NM_198525.2); c.3754_3771dupTCCCCCCTCACTGAGGGG (NM_198525.2).
Identifiers: ClinVar variation 1381123 (VCV001381123.6), dbSNP rs775576101, ClinGen allele CA7727541.

ClinVar aggregate classification (germline): Uncertain significance. Review status: criteria provided, multiple submitters, no conflicts (2 of 4 stars). 4 submissions from 4 submitters: Uncertain significance (4). Last evaluated 2026-06-15.

Conditions:
Inborn genetic diseases. Identifiers: MedGen C0950123, MeSH D030342.
Acrocallosal syndrome (ACLS). Also called: HALLUX DUPLICATION, POSTAXIAL POLYDACTYLY, AND ABSENCE OF CORPUS CALLOSUM; Absence of corpus callosum with unusual facial appearance, mental deficiency, duplication of the halluces and polydactyly; Schinzel syndrome 1. Identifiers: Orphanet 36, MedGen C0796147, MONDO:0008708, OMIM 200990.

Submissions (4):

Women's Health and Genetics/Laboratory Corporation of America, LabCorp
Classification: Uncertain significance. Last evaluated: 2026-06-15. Review status: criteria provided, single submitter. Criteria: LabCorp Variant Classification Summary - May 2015. Collection method: clinical testing. Allele origin: germline.
Comment: Variant summary: KIF7 c.3754_3771dup18 (p.Ser1252_Gly1257dup) results in an in-frame duplication that is predicted to duplicate 6 amino acids into the encoded protein. The variant allele was found at a frequency of 2.4e-05 in 246540 control chromosomes. The available data on variant occurrences in the general population are insufficient to allow any conclusion about variant significance. To our knowledge, no occurrence of c.3754_3771dup18 in individuals affected with KIF7-related conditions and no experimental evidence demonstrating its impact on protein function have been reported. ClinVar contains an entry for this variant (Variation ID: 1381123). Based on the evidence outlined above, the variant was classified as uncertain significance.

GeneDx
Classification: Uncertain significance. Last evaluated: 2026-03-11. Review status: criteria provided, single submitter. Criteria: GeneDx Variant Classification Process June 2021. Collection method: clinical testing. Allele origin: germline.
Comment: In-frame duplication of 6 amino acids in a non-repeat region; Not observed at significant frequency in large population cohorts (gnomAD); Has not been previously published as pathogenic or benign to our knowledge

Labcorp Genetics (formerly Invitae), Labcorp
Classification: Uncertain significance for Acrocallosal syndrome. Last evaluated: 2022-10-05. Review status: criteria provided, single submitter. Criteria: Invitae Variant Classification Sherloc (09022015). Collection method: clinical testing. Allele origin: germline.
Comment: This variant, c.3754_3771dup, results in the insertion of 6 amino acid(s) of the KIF7 protein (p.Ser1252_Gly1257dup), but otherwise preserves the integrity of the reading frame. This variant is present in population databases (rs775576101, gnomAD 0.005%). This variant has not been reported in the literature in individuals affected with KIF7-related conditions. ClinVar contains an entry for this variant (Variation ID: 1381123). Experimental studies and prediction algorithms are not available or were not evaluated, and the functional significance of this variant is currently unknown. In summary, the available evidence is currently insufficient to determine the role of this variant in disease. Therefore, it has been classified as a Variant of Uncertain Significance.

Ambry Genetics
Classification: Uncertain significance for Inborn genetic diseases. Last evaluated: 2021-11-04. Review status: criteria provided, single submitter. Criteria: Ambry Variant Classification Scheme 2023. Collection method: clinical testing. Allele origin: germline.
Comment: The c.3754_3771dupTCCCCCCTCACTGAGGGG (p.S1252_G1257dup) alteration is located in exon 19 (coding exon 18) of the KIF7 gene. The alteration consists of an in-frame duplication of 18 nucleotides from position 3754 to 3771, resulting in the duplication of 6 residues. Based on insufficient or conflicting evidence, the clinical significance of this alteration remains unclear.